The following is an entry in ClinVar:

NM_001365536.1(SCN9A):c.4128T>C (p.Val1376=)

Genes: SCN1A-AS1 (SCN1A and SCN9A antisense RNA 1; plus strand), SCN9A (sodium voltage-gated channel alpha subunit 9; minus strand). Cytogenetic location: 2q24.3.
Variant type: single nucleotide variant.
Coding change: c.4128T>C on transcript NM_001365536.1 (MANE Select); coding-DNA position 4128, T replaced by C.
Protein change: p.Val1376=; no amino-acid change (valine 1376 retained).
Molecular consequence: synonymous variant.
Genome position (GRCh38, 1-based): chr2:166,228,769, A>G on the plus strand (T>C on the coding strand, the complement: SCN9A is on the minus strand). VCF-style: chr2-166228769-A-G. GRCh37 (hg19) VCF-style: chr2-167085279-A-G.
Other names: c.4095T>C, p.Val1365= (NM_002977.4).
Identifiers: ClinVar variation 856918 (VCV000856918.13), dbSNP rs1413202256, ClinGen allele CA429899141.

ClinVar aggregate classification (germline): Likely benign (1 of 4 stars; one submission).

Conditions:
Neuropathy, hereditary sensory and autonomic, type 2A (HSAN2A). Also called: MORVAN DISEASE; NEUROPATHY, CONGENITAL SENSORY; NEUROPATHY, HEREDITARY SENSORY RADICULAR, AUTOSOMAL RECESSIVE; NEUROPATHY, HEREDITARY SENSORY, TYPE IIA; NEUROPATHY, PROGRESSIVE SENSORY, OF CHILDREN; HSAN IIA. Identifiers: Orphanet 970, MedGen C2752089, MONDO:0024309, OMIM 201300.
Paroxysmal extreme pain disorder (PEXPD). Also called: PAIN, SUBMANDIBULAR, OCULAR, AND RECTAL, WITH FLUSHING; RECTAL PAIN, FAMILIAL; SCN9A Paroxysmal Extreme Pain Disorder (SCN9A-PEPD). Identifiers: Orphanet 46348, MedGen C1833661, MONDO:0008179, OMIM 167400.
Channelopathy-associated congenital insensitivity to pain, autosomal recessive. Also called: Insensitivity to pain, channelopathy-associated; ASYMBOLIA FOR PAIN; CONGENITAL ANALGESIA, AUTOSOMAL RECESSIVE. Identifiers: Orphanet 88642, Orphanet 970, MedGen C1855739, MONDO:0009459, OMIM 243000.
Primary erythromelalgia. Also called: SCN9A Erythromelalgia (SCN9A-EM); primary erythermalgia. Identifiers: Orphanet 306577, Orphanet 90026, MedGen C0014805, MONDO:0007571, OMIM 133020.
Generalized epilepsy with febrile seizures plus. Also called: Generalized Epilepsy with Febrile Seizures Plus (GEFS+). Identifiers: Orphanet 36387, MedGen C3502809, MONDO:0018214.
Generalized epilepsy with febrile seizures plus, type 7 (GEFSP7). Also called: GEFS+, TYPE 7. Identifiers: Orphanet 36387, MedGen C2751778, MONDO:0013470, OMIM 613863.

Allele frequency attached by ClinVar (database versions not stated): TOPMed below 0.00001; gnomAD 0.00001.
gnomAD v4.1: 1 of 1,613,758 alleles (0.000062%); highest among the groups gnomAD compares: Non-Finnish European, 0.000085%; no homozygotes.

Submission:

Labcorp Genetics (formerly Invitae), Labcorp
Classification: Likely benign for Neuropathy, hereditary sensory and autonomic, type 2A; Generalized epilepsy with febrile seizures plus, type 7. Last evaluated: 2024-02-17. Review status: criteria provided, single submitter. Criteria: Invitae Variant Classification Sherloc (09022015). Collection method: clinical testing. Allele origin: germline.